The following is an entry in ClinVar:

ClinVar aggregate classification (germline): Likely benign. Review status: criteria provided, multiple submitters, no conflicts (2 of 4 stars). 4 submissions from 4 submitters: Likely benign (3). 1 of the submissions does not count toward it. Last evaluated 2026-01-14.

Conditions:
CACNA2D1-related disorder. Also called: CACNA2D1-related condition.
Cardiovascular phenotype. Identifiers: MedGen CN230736.
Brugada syndrome. Also called: Sudden Unexplained Death Syndrome; Sudden Unexplained Nocturnal Death Syndrome (SUNDS); Sudden unexpected nocturnal death syndrome; Sudden unexplained nocturnal death syndrome. Identifiers: Orphanet 130, MedGen C1142166, MONDO:0015263.

Allele frequency attached by ClinVar (database versions not stated): TOPMed 0.00006.
gnomAD v4.1: 115 of 1,606,126 alleles (0.0072%); highest among the groups gnomAD compares: Non-Finnish European, 0.0095%; no homozygotes.

Submissions (4):

Labcorp Genetics (formerly Invitae), Labcorp
Classification: Likely benign for Brugada syndrome. Last evaluated: 2026-01-14. Review status: criteria provided, single submitter. Criteria: Invitae Variant Classification Sherloc (09022015). Collection method: clinical testing. Allele origin: germline.

GeneDx
Classification: Likely benign. Last evaluated: 2020-02-19. Review status: criteria provided, single submitter. Criteria: GeneDx Variant Classification Process June 2021. Collection method: clinical testing. Allele origin: germline. Affected: yes.

Ambry Genetics
Classification: Likely benign for Cardiovascular phenotype. Last evaluated: 2017-12-20. Review status: criteria provided, single submitter. Criteria: Ambry Variant Classification Scheme 2023. Collection method: clinical testing. Allele origin: germline.

PreventionGenetics, part of Exact Sciences
Classification: Likely benign for CACNA2D1-related condition. Last evaluated: 2019-04-11. Review status: no assertion criteria provided. Collection method: clinical testing. Allele origin: germline. Not counted in ClinVar's aggregate classification.
Comment: This variant is classified as likely benign based on ACMG/AMP sequence variant interpretation guidelines (Richards et al. 2015 PMID: 25741868, with internal and published modifications).

NM_000722.4(CACNA2D1):c.57C>T (p.Ile19=)

Gene: CACNA2D1 (calcium voltage-gated channel auxiliary subunit alpha2delta 1; minus strand). Cytogenetic location: 7q21.11.
Variant type: single nucleotide variant.
Coding change: c.57C>T on transcript NM_000722.4 (MANE Select); coding-DNA position 57, C replaced by T.
Protein change: p.Ile19=; no amino-acid change (isoleucine 19 retained).
Molecular consequence: synonymous variant.
Genome position (GRCh38, 1-based): chr7:82,443,403, G>A on the plus strand (C>T on the coding strand, the complement: CACNA2D1 is on the minus strand). VCF-style: chr7-82443403-G-A. GRCh37 (hg19) VCF-style: chr7-82072719-G-A.
Other names: c.57C>T (LRG_437t1); c.57C>T, p.Ile19= (NM_001302890.2, NM_001366867.1).
Identifiers: ClinVar variation 511321 (VCV000511321.16), dbSNP rs770350248, ClinGen allele CA4318508.
Genomic context (GRCh38, chr7:82,443,403, plus strand): 5'-CCTGCCCGGCCCGCCGACTTACGTGACGGCCGAAGGGAACGGCTCCTCCGACGAGGGGCC[G>A]ATGAGCAAAGATTGGAAAAGTGTCAGAGTCAAGGCCAGCAGGCAGCCAGCAGCCATCTTC-3'
Protein context (NP_000713.2, residues 9-29): LTLTLFQSLL[Ile19=]GPSSEEPFPS